The following is an entry in ClinVar:

NM_007294.4(BRCA1):c.4727A>G (p.Glu1576Gly)

Gene: BRCA1 (BRCA1 DNA repair associated; minus strand). Cytogenetic location: 17q21.31.
Variant type: single nucleotide variant.
Coding change: c.4727A>G on transcript NM_007294.4 (MANE Select); coding-DNA position 4727, A replaced by G.
Protein change: p.Glu1576Gly; replaces glutamic acid 1576 with glycine.
Molecular consequence: missense variant. On other transcripts: non-coding transcript variant (1).
Genome position (GRCh38, 1-based): chr17:43,071,187, T>C on the plus strand (A>G on the coding strand, the complement: BRCA1 is on the minus strand). VCF-style: chr17-43071187-T-C. GRCh37 (hg19) VCF-style: chr17-41223204-T-C.
Other names: c.4517A>G, p.Glu1506Gly (NM_001407889.1, NM_001407879.1, NM_001407881.1 and 5 more transcripts); c.1292A>G, p.Glu431Gly (NM_001408437.1, NM_001408440.1, NM_001408439.1 and 10 more transcripts); c.4514A>G, p.Glu1505Gly (NM_001407899.1, NM_001407895.1, NM_001407894.1 and 12 more transcripts); c.4721A>G, p.Glu1574Gly (NM_001407638.1, NM_001407639.1, NM_001407640.1 and 14 more transcripts); c.4718A>G, p.Glu1573Gly (NM_001407644.1, NM_001407645.1); c.4715A>G, p.Glu1572Gly (NM_001407646.1); c.4712A>G, p.Glu1571Gly (NM_001407647.1); c.4670A>G, p.Glu1557Gly (NM_001407648.1); and 70 more; short protein forms E1576G, E472G, E1597G, E1529G, E1422G, E1447G, E1464G, E1533G.
Identifiers: ClinVar variation 231185 (VCV000231185.9), dbSNP rs876659007, ClinGen allele CA10580510.
Genomic context (GRCh38, chr17:43,071,187, plus strand): 5'-GAAGATGGTATGTTGCCAACACGAGCTGACTCTGGGGCTCTGTCTTCAGAAGGATCAGAT[T>C]CAGGGTCATCAGAGAAGAGGCTGATTCCAGATTCCAGGTAAGGGGTTCCCTCTGAAAGGA-3'
Protein context (NP_009225.1, residues 1566-1586): SGISLFSDDP[Glu1576Gly]SDPSEDRAPE

ClinVar aggregate classification (germline): Uncertain significance. Review status: criteria provided, multiple submitters, no conflicts (2 of 4 stars). 2 submissions from 2 submitters: Uncertain significance (2). Last evaluated 2024-04-28.

Conditions:
Hereditary cancer-predisposing syndrome. Also called: Neoplastic Syndromes, Hereditary; Tumor predisposition; Hereditary Cancer Syndrome; Hereditary neoplastic syndrome. Identifiers: Orphanet 140162, MedGen C0027672, MeSH D009386, MONDO:0015356.
Hereditary breast ovarian cancer syndrome. Also called: BRCA1- and BRCA2-Associated Hereditary Breast and Ovarian Cancer; Hereditary breast and ovarian cancer syndrome; Hereditary breast and ovarian cancer; Hereditary breast and ovarian cancer syndrome (HBOC); Breast and ovarian cancer; Hereditary breast and/or ovarian cancer syndrome. Identifiers: Orphanet 145, MedGen C0677776, MeSH D061325, MONDO:0003582. Disease mechanism: loss of function.

Submissions (2):

Labcorp Genetics (formerly Invitae), Labcorp
Classification: Uncertain significance for Hereditary breast ovarian cancer syndrome. Last evaluated: 2024-04-28. Review status: criteria provided, single submitter. Criteria: Invitae Variant Classification Sherloc (09022015). Collection method: clinical testing. Allele origin: germline.
Comment: This sequence change replaces glutamic acid, which is acidic and polar, with glycine, which is neutral and non-polar, at codon 1576 of the BRCA1 protein (p.Glu1576Gly). This variant is not present in population databases (gnomAD no frequency). This variant has not been reported in the literature in individuals affected with BRCA1-related conditions. ClinVar contains an entry for this variant (Variation ID: 231185). Advanced modeling of protein sequence and biophysical properties (such as structural, functional, and spatial information, amino acid conservation, physicochemical variation, residue mobility, and thermodynamic stability) performed at Invitae indicates that this missense variant is not expected to disrupt BRCA1 protein function with a negative predictive value of 95%. In summary, the available evidence is currently insufficient to determine the role of this variant in disease. Therefore, it has been classified as a Variant of Uncertain Significance.

Ambry Genetics
Classification: Uncertain significance for Hereditary cancer-predisposing syndrome. Last evaluated: 2020-07-17. Review status: criteria provided, single submitter. Criteria: Ambry Variant Classification Scheme 2023. Collection method: clinical testing. Allele origin: germline.
Comment: The p.E1576G variant (also known as c.4727A>G), located in coding exon 14 of the BRCA1 gene, results from an A to G substitution at nucleotide position 4727. The glutamic acid at codon 1576 is replaced by glycine, an amino acid with similar properties. This amino acid position is not well conserved in available vertebrate species. In addition, the in silico prediction for this alteration is inconclusive. Since supporting evidence is limited at this time, the clinical significance of this alteration remains unclear.